The following is an entry in ClinVar:

ClinVar aggregate classification (germline): Uncertain significance (1 of 4 stars; one submission).

gnomAD v4.1: 2 of 1,474,720 alleles (0.00014%); highest among the groups gnomAD compares: East Asian, 0.003%; no homozygotes.

Submission:

Ambry Genetics
Classification: Uncertain significance. Last evaluated: 2025-09-18. Review status: criteria provided, single submitter. Criteria: Ambry Variant Classification Scheme 2023. Collection method: clinical testing. Allele origin: germline.
Comment: The p.A3V variant (also known as c.8C>T), located in coding exon 1 of the PALLD gene, results from a C to T substitution at nucleotide position 8. The alanine at codon 3 is replaced by valine, an amino acid with similar properties. This amino acid position is conserved. In addition, this alteration is predicted to be tolerated by in silico analysis. Based on the available evidence, the clinical significance of this variant remains unclear.

NM_001166108.2(PALLD):c.1965-13023C>T

Gene: PALLD (palladin, cytoskeletal associated protein; plus strand). Cytogenetic location: 4q32.3.
Variant type: single nucleotide variant.
Coding change: c.1965-13023C>T on transcript NM_001166108.2 (MANE Select); 13023 bases into the intron before coding-DNA position 1965, C replaced by T.
Molecular consequence: intron variant. On other transcripts: missense variant (1).
Genome position (GRCh38, 1-based): chr4:168,877,899, C>T. VCF-style: chr4-168877899-C-T. GRCh37 (hg19) VCF-style: chr4-169799050-C-T.
Other names: c.8C>T, p.Ala3Val (NM_001166110.2); c.1965-13023C>T (NM_016081.4); c.819-13023C>T (NM_001166109.2); c.-157-13023C>T (NM_001367570.1, NM_001367568.1, NM_001367567.1 and 1 more transcripts); short protein forms A3V.
Identifiers: ClinVar variation 4564141 (VCV004564141.1).